The following is an entry in ClinVar:

ClinVar aggregate classification (germline): Uncertain significance (1 of 4 stars; one submission).

Conditions:
Hereditary cancer-predisposing syndrome. Also called: Hereditary Cancer Syndrome; Hereditary neoplastic syndrome; Tumor predisposition; Neoplastic Syndromes, Hereditary. Identifiers: Orphanet 140162, MedGen C0027672, MeSH D009386, MONDO:0015356.

Allele frequency attached by ClinVar (database versions not stated): gnomAD exomes below 0.00001.
gnomAD v4.1: 1 of 1,613,996 alleles (0.000062%); highest among the groups gnomAD compares: Non-Finnish European, 0.000085%; no homozygotes.

Submission:

Ambry Genetics
Classification: Uncertain significance for Hereditary cancer-predisposing syndrome. Last evaluated: 2025-08-03. Review status: criteria provided, single submitter. Criteria: Ambry Variant Classification Scheme 2023. Collection method: clinical testing. Allele origin: germline.
Comment: The p.A807S variant (also known as c.2419G>T), located in coding exon 21 of the POLE gene, results from a G to T substitution at nucleotide position 2419. The alanine at codon 807 is replaced by serine, an amino acid with similar properties. This amino acid position is conserved. In addition, the in silico prediction for this alteration is inconclusive. Since supporting evidence is limited at this time, the clinical significance of this alteration remains unclear.

NM_006231.4(POLE):c.2419G>T (p.Ala807Ser)

Gene: POLE (DNA polymerase epsilon, catalytic subunit; minus strand). Cytogenetic location: 12q24.33.
Variant type: single nucleotide variant.
Coding change: c.2419G>T on transcript NM_006231.4 (MANE Select); coding-DNA position 2419, G replaced by T.
Protein change: p.Ala807Ser; replaces alanine 807 with serine.
Molecular consequence: missense variant.
Genome position (GRCh38, 1-based): chr12:132,665,351, C>A on the plus strand (G>T on the coding strand, the complement: POLE is on the minus strand). VCF-style: chr12-132665351-C-A. GRCh37 (hg19) VCF-style: chr12-133241937-C-A.
Other names: short protein forms A807S.
Identifiers: ClinVar variation 1790982 (VCV001790982.3), dbSNP rs2135961564, ClinGen allele CA387397183.